The following is an entry in ClinVar:

NM_001148.6(ANK2):c.7743G>T (p.Arg2581Ser)

Genes: ANK2 (ankyrin 2; plus strand), LOC126807137 (CDK7 strongly-dependent group 2 enhancer GRCh37_chr4:114276560-114277759; plus strand). Cytogenetic location: 4q26.
Variant type: single nucleotide variant.
Coding change: c.7743G>T on transcript NM_001148.6 (MANE Select); coding-DNA position 7743, G replaced by T.
Protein change: p.Arg2581Ser; replaces arginine 2581 with serine.
Molecular consequence: missense variant. On other transcripts: intron variant (68).
Genome position (GRCh38, 1-based): chr4:113,356,361, G>T. VCF-style: chr4-113356361-G-T. GRCh37 (hg19) VCF-style: chr4-114277517-G-T.
Other names: c.7509G>T, p.Arg2503Ser (NM_001386142.1); c.4143G>T, p.Arg1381Ser (NM_001386166.1); c.7884G>T, p.Arg2628Ser (NM_001386174.1); c.7860G>T, p.Arg2620Ser (NM_001386175.1); c.4412-4462G>T (NM_001386186.2, NM_001386148.2); c.4214-4462G>T (NM_001354269.3); c.4292-4462G>T (NM_001386187.2); c.4253-4462G>T (NM_001386147.1); and 35 more; short protein forms R1381S, R2503S, R2581S, R2620S, R2628S.
Identifiers: ClinVar variation 1060570 (VCV001060570.7), dbSNP rs544735923, ClinGen allele CA103815453.

ClinVar aggregate classification (germline): Conflicting classifications of pathogenicity. Review status: criteria provided, conflicting classifications (1 of 4 stars). 2 submissions from 2 submitters: Uncertain significance (1); Likely benign (1). Last evaluated 2020-07-30.

Conditions:
Long QT syndrome (LQTS). Identifiers: MedGen C0023976, MeSH D008133, MONDO:0002442. Disease mechanism: loss of function. Inheritance: Various modes of inheritance.
Cardiovascular phenotype. Identifiers: MedGen CN230736.

Allele frequency attached by ClinVar (database versions not stated): gnomAD 0.00001.
gnomAD v4.1: 13 of 1,613,992 alleles (0.00081%); highest among the groups gnomAD compares: Admixed American, 0.0017%; no homozygotes.

Submissions (2):

Labcorp Genetics (formerly Invitae), Labcorp
Classification: Uncertain significance for Long QT syndrome. Last evaluated: 2020-07-30. Review status: criteria provided, single submitter. Criteria: Invitae Variant Classification Sherloc (09022015). Collection method: clinical testing. Allele origin: germline.
Comment: This sequence change replaces arginine with serine at codon 2581 of the ANK2 protein (p.Arg2581Ser). The arginine residue is moderately conserved and there is a moderate physicochemical difference between arginine and serine. This variant is not present in population databases (ExAC no frequency). This variant has not been reported in the literature in individuals with ANK2-related conditions. In summary, the available evidence is currently insufficient to determine the role of this variant in disease. Therefore, it has been classified as a Variant of Uncertain Significance. Algorithms developed to predict the effect of missense changes on protein structure and function are either unavailable or do not agree on the potential impact of this missense change (SIFT: "Tolerated"; PolyPhen-2: "Probably Damaging"; Align-GVGD: "Class C0").

Ambry Genetics
Classification: Likely benign for Cardiovascular phenotype. Last evaluated: 2020-02-19. Review status: criteria provided, single submitter. Criteria: Ambry Variant Classification Scheme 2023. Collection method: clinical testing. Allele origin: germline.